The following is an entry in ClinVar:

NM_000093.5(COL5A1):c.1433G>C (p.Gly478Ala)

Gene: COL5A1 (collagen type V alpha 1 chain; plus strand). Cytogenetic location: 9q34.3.
Variant type: single nucleotide variant.
Coding change: c.1433G>C on transcript NM_000093.5 (MANE Select); coding-DNA position 1433, G replaced by C.
Protein change: p.Gly478Ala; replaces glycine 478 with alanine.
Molecular consequence: missense variant.
Genome position (GRCh38, 1-based): chr9:134,738,747, G>C. VCF-style: chr9-134738747-G-C. GRCh37 (hg19) VCF-style: chr9-137630593-G-C.
Other names: c.1433G>C, p.Gly478Ala (NM_001278074.1); short protein forms G478A.
Identifiers: ClinVar variation 1806378 (VCV001806378.1), dbSNP rs2490536330, ClinGen allele CA375441268.

ClinVar aggregate classification (germline): Likely pathogenic (1 of 4 stars; one submission).

Conditions:
Ehlers-Danlos syndrome, classic type, 1 (EDSCL1). Also called: Ehlers-Danlos syndrome, type 1; Ehlers-Danlos Syndrome, Classic Type, COL5A1-Related; EDS I; EHLERS-DANLOS SYNDROME, GRAVIS TYPE; EHLERS-DANLOS SYNDROME, SEVERE CLASSIC TYPE. Identifiers: MedGen C0268335, MONDO:0019567, OMIM 130000.

Submission:

Victorian Clinical Genetics Services, Murdoch Childrens Research Institute
Classification: Likely pathogenic for Ehlers-Danlos syndrome, classic type, 1. Last evaluated: 2020-05-21. Review status: criteria provided, single submitter. Criteria: ACMG Guidelines, 2015. Collection method: clinical testing. Allele origin: germline. Inheritance: Autosomal dominant inheritance. Affected: yes.
Comment: Based on the classification scheme VCGS_Germline_v1.1.1, this variant is classified as Likely Pathogenic. Following criteria are met: 0102 - Loss-of-function is a known mechanism of disease for this gene. (N) 0107 - This gene is known to be associated with autosomal dominant disease. (N) 0200 - Variant is predicted to result in a missense amino acid change from glycine to alanine (exon 11). (N) 0251 - Variant is heterozygous. (N) 0301 - Variant is absent from gnomAD. (P) 0501 - Missense variant consistently predicted to be damaging by multiple in silico tools or highly conserved with a major amino acid change. (P) 0601 - Variant affects at least one well-established (essential) functional domain or motif (Gly-X-Y repeat; PDB, NCBI). (P) 0705 - No comparable variants have previous evidence for pathogenicity. (N) 0807 - Variant has not previously been reported in a clinical context. (N) 0905 - No segregation evidence has been identified for this variant. (N) 1007 - No published functional evidence has been identified for this variant. (N) Legend: (P) - Pathogenic, (N) - Neutral, (B) - Benign